The following is an entry in ClinVar:

ClinVar aggregate classification (germline): Uncertain significance (1 of 4 stars; one submission).

Conditions:
Mitochondrial disease. Also called: Mitochondrial disorder; Mitochondrial disorders. Identifiers: Orphanet 68380, MedGen C0751651, MeSH D028361, MONDO:0044970.

Submission:

Genomenon, Inc
Classification: Uncertain significance for Mitochondrial disease. Last evaluated: 2025-11-24. Review status: criteria provided, single submitter. Criteria: Genomenon Sequence Variant Interpretation Standards - Updated. Collection method: curation. Allele origin: germline. Affected: no.
Comment: TK2 p.Ile59Val (c.175A>G) is a missense variant that changes the amino acid at residue 59 from Isoleucine to Valine. This variant has been reported in the published literature (19233899). This variant is not present at a significant frequency in gnomAD. In conclusion, we classify TK2 p.Ile59Val (c.175A>G) as a variant of uncertain significance.

Literature cited by the submitters: PubMed 19233899.

NM_004614.5(TK2):c.175A>G (p.Ile59Val)

Gene: TK2 (thymidine kinase 2; minus strand). Cytogenetic location: 16q21.
Variant type: single nucleotide variant.
Coding change: c.175A>G on transcript NM_004614.5 (MANE Select); coding-DNA position 175, A replaced by G.
Protein change: p.Ile59Val; replaces isoleucine 59 with valine.
Molecular consequence: missense variant. On other transcripts: 5 prime UTR variant (1), non-coding transcript variant (1), intron variant (1).
Genome position (GRCh38, 1-based): chr16:66,541,935, T>C on the plus strand (A>G on the coding strand, the complement: TK2 is on the minus strand). VCF-style: chr16-66541935-T-C. GRCh37 (hg19) VCF-style: chr16-66575838-T-C.
Other names: c.82A>G, p.Ile28Val (NM_001172643.1, NM_001271935.1); c.175A>G, p.Ile59Val (NM_001172645.2); c.28A>G, p.Ile10Val (NM_001271934.2); c.-117A>G (NM_001272050.2); c.157-4918A>G (NM_001172644.2); short protein forms I10V, I28V, I59V.
Identifiers: ClinVar variation 4686625 (VCV004686625.1).
Genomic context (GRCh38, chr16:66,541,935, plus strand): 5'-GTACCTCGACGTCTGTCGCGTTGGAGAAGAATTCCAGGCATGTCGTCTTCCCACTTGCAA[T>C]ATTGCCCTCGACACAGATCTGGCAAAAGACGAATGCATATTAGAGCCAGAACTCAAGCAC-3'
Protein context (NP_004605.4, residues 49-69): KKSVICVEGN[Ile59Val]ASGKTTCLEF